The following is an entry in ClinVar:

NM_152641.4(ARID2):c.3061C>T (p.Pro1021Ser)

Gene: ARID2 (AT-rich interaction domain 2; plus strand). Cytogenetic location: 12q12.
Variant type: single nucleotide variant.
Coding change: c.3061C>T on transcript NM_152641.4 (MANE Select); coding-DNA position 3061, C replaced by T.
Protein change: p.Pro1021Ser; replaces proline 1021 with serine.
Molecular consequence: missense variant.
Genome position (GRCh38, 1-based): chr12:45,851,184, C>T. VCF-style: chr12-45851184-C-T. GRCh37 (hg19) VCF-style: chr12-46244967-C-T.
Other names: c.3061C>T, p.Pro1021Ser (NM_001347839.2); short protein forms P1021S.
Identifiers: ClinVar variation 4882794 (VCV004882794.2).
Genomic context (GRCh38, chr12:45,851,184, plus strand): 5'-CCTACTGTCAGTCAAATGTTATCTGTGAAAAGGCAGCAACAGCAGCAACATTCACCAGCA[C>T]CCCCACCACAGCAGGTACAAGTACAAGTTCAGCAGCCCCAACAAGTACAGATGCAAGTTC-3'
Protein context (NP_689854.2, residues 1011-1031): RQQQQQHSPA[Pro1021Ser]PPQQVQVQVQ

ClinVar aggregate classification (germline): Uncertain significance (1 of 4 stars; one submission).

gnomAD v4.1: 2 of 1,614,006 alleles (0.00012%); highest among the groups gnomAD compares: Non-Finnish European, 0.00017%; no homozygotes.

Submission:

Dasa
Classification: Uncertain significance. Last evaluated: 2025-08-07. Review status: criteria provided, single submitter. Criteria: DASA Assertion Criteria. Collection method: clinical testing. Allele origin: germline.
Comment: NM_152641.4(ARID2):c.3061C>T (p.Pro1021Ser) is a missense variant that results in the substitution of proline with serine. This variant is rare in population databases. Computational prediction algorithms are consistent with a benign effect. The currently available literature and clinical evidence are not sufficient to establish a definitive association between this variant and the reported condition. Therefore, this variant is classified as a variant of uncertain significance.